The following is an entry in ClinVar:

ClinVar aggregate classification (germline): Uncertain significance (1 of 4 stars; one submission).

Allele frequency attached by ClinVar (database versions not stated): ExAC 0.00084.

Submission:

GeneDx
Classification: Uncertain significance. Last evaluated: 2021-05-14. Review status: criteria provided, single submitter. Criteria: GeneDx Variant Classification Process June 2021. Collection method: clinical testing. Allele origin: germline. Affected: yes.
Comment: Not observed in large population cohorts (Lek et al., 2016); In silico analysis supports that this missense variant has a deleterious effect on protein structure/function; Has not been previously published as pathogenic or benign to our knowledge

NM_005251.3(FOXC2):c.970G>T (p.Gly324Trp)

Gene: FOXC2 (forkhead box C2; plus strand). Cytogenetic location: 16q24.1.
Variant type: single nucleotide variant.
Coding change: c.970G>T on transcript NM_005251.3 (MANE Select); coding-DNA position 970, G replaced by T.
Protein change: p.Gly324Trp; replaces glycine 324 with tryptophan.
Molecular consequence: missense variant.
Genome position (GRCh38, 1-based): chr16:86,568,305, G>T. VCF-style: chr16-86568305-G-T. GRCh37 (hg19) VCF-style: chr16-86601911-G-T.
Other names: short protein forms G324W.
Identifiers: ClinVar variation 1321737 (VCV001321737.2), dbSNP rs776762340, ClinGen allele CA8218411.